The following is an entry in ClinVar:

NM_001382567.1(STIM1):c.1705C>T (p.Pro569Ser)

Gene: STIM1 (stromal interaction molecule 1; plus strand). Cytogenetic location: 11p15.4.
Variant type: single nucleotide variant.
Coding change: c.1705C>T on transcript NM_001382567.1 (MANE Select); coding-DNA position 1705, C replaced by T.
Protein change: p.Pro569Ser; replaces proline 569 with serine.
Molecular consequence: missense variant. On other transcripts: 3 prime UTR variant (4), non-coding transcript variant (3).
Genome position (GRCh38, 1-based): chr11:4,091,352, C>T. VCF-style: chr11-4091352-C-T. GRCh37 (hg19) VCF-style: chr11-4112582-C-T.
Other names: c.1930C>T, p.Pro644Ser (NM_001277961.3); c.*26C>T (NM_001277962.2, NM_001382578.1, NM_001382579.1 and 1 more transcripts); c.1708C>T, p.Pro570Ser (NM_001382566.1); c.1633C>T, p.Pro545Ser (NM_001382568.1); c.1477C>T, p.Pro493Ser (NM_001382569.1); c.1384C>T, p.Pro462Ser (NM_001382570.1); c.1132C>T, p.Pro378Ser (NM_001382571.1); c.1390C>T, p.Pro464Ser (NM_001382575.1, NM_001382576.1, NM_001382577.1); and 2 more; short protein forms P538S, P644S, P375S, P378S, P462S, P464S, P493S, P545S.
Identifiers: ClinVar variation 258973 (VCV000258973.17), dbSNP rs35960304, ClinGen allele CA5830594.
Genomic context (GRCh38, chr11:4,091,352, plus strand): 5'-CATTCCGATTCGGAGTCCTCCCTCCACATGAGTGACCGCCAGCGTGTGGCCCCCAAACCT[C>T]CTCAGATGAGCCGTGCTGCAGACGAGGCTCTCAATGCCATGACTTCCAATGGCAGCCACC-3'
Protein context (NP_001369496.1, residues 559-579): SDRQRVAPKP[Pro569Ser]QMSRAADEAL

ClinVar aggregate classification (germline): Benign. Review status: criteria provided, multiple submitters, no conflicts (2 of 4 stars). 5 submissions from 5 submitters: Benign (5). Last evaluated 2026-02-01.

Conditions:
Myopathy with tubular aggregates (TAM). Also called: Tubular Aggregate Myopathy. Identifiers: Orphanet 2593, MedGen C0410207, MONDO:0008051.
Stormorken syndrome (STRMK). Also called: THROMBOCYTOPATHY, ASPLENIA, AND MIOSIS. Identifiers: Orphanet 3204, MedGen C1861451, MONDO:0008497, OMIM 185070.
Combined immunodeficiency due to STIM1 deficiency. Also called: IMMUNODEFICIENCY 10; STIM1 DEFICIENCY. Identifiers: Orphanet 169090, Orphanet 317430, MedGen C2748557, MONDO:0013008, OMIM 612783.

Allele frequency attached by ClinVar (database versions not stated): gnomAD exomes 0.00170 and 0.00450; ExAC 0.00565; 1000 Genomes Project 0.01757; gnomAD 0.01918 and 0.01794; TOPMed 0.02003; ESP Exome Variant Server 0.02285; 1000 Genomes Project 30x 0.01765.
gnomAD v4.1: 5,358 of 1,614,238 alleles (0.33%); highest among the groups gnomAD compares: African/African-American, 6.4%; 158 homozygotes.

Submissions (5):

Labcorp Genetics (formerly Invitae), Labcorp
Classification: Benign for Myopathy with tubular aggregates; Combined immunodeficiency due to STIM1 deficiency; Stormorken syndrome. Last evaluated: 2026-02-01. Review status: criteria provided, single submitter. Criteria: Invitae Variant Classification Sherloc (09022015). Collection method: clinical testing. Allele origin: germline.

Mayo Clinic Laboratories, Mayo Clinic
Classification: Benign. Last evaluated: 2024-07-11. Review status: criteria provided, single submitter. Criteria: ACMG Guidelines, 2015. Collection method: clinical testing. Allele origin: germline. Observed: 51 variant alleles.
Comment: BA1

GeneDx
Classification: Benign. Last evaluated: 2016-07-11. Review status: criteria provided, single submitter. Criteria: GeneDx Variant Classification (06012015). Collection method: clinical testing. Allele origin: germline. Affected: yes.
Comment: This variant is considered likely benign or benign based on one or more of the following criteria: it is a conservative change, it occurs at a poorly conserved position in the protein, it is predicted to be benign by multiple in silico algorithms, and/or has population frequency not consistent with disease.

Breakthrough Genomics
Classification: Benign. Review status: criteria provided, single submitter. Criteria: ACMG Guidelines, 2015. Collection method: not provided. Allele origin: germline. Inheritance: Autosomal recessive inheritance. Affected: yes.

PreventionGenetics, part of Exact Sciences
Classification: Benign. Review status: criteria provided, single submitter. Criteria: ACMG Guidelines, 2015. Collection method: clinical testing. Allele origin: germline.